The following is an entry in ClinVar:

NM_001378609.3(OTOGL):c.5781G>A (p.Trp1927Ter)

Gene: OTOGL (otogelin like; plus strand). Cytogenetic location: 12q21.31.
Variant type: single nucleotide variant.
Coding change: c.5781G>A on transcript NM_001378609.3 (MANE Select); coding-DNA position 5781, G replaced by A.
Protein change: p.Trp1927Ter; replaces tryptophan 1927 with a stop codon.
Molecular consequence: nonsense.
Genome position (GRCh38, 1-based): chr12:80,355,923, G>A. VCF-style: chr12-80355923-G-A. GRCh37 (hg19) VCF-style: chr12-80749703-G-A.
Other names: c.5646G>A, p.Trp1882Ter (NM_001368062.3); c.5781G>A, p.Trp1927Ter (NM_001378610.3, NM_173591.7); short protein forms W1882*, W1927*.
Identifiers: ClinVar variation 3691647 (VCV003691647.2).

ClinVar aggregate classification (germline): Pathogenic (1 of 4 stars; one submission).

gnomAD v4.1: 2 of 1,613,836 alleles (0.00012%); no homozygotes.

Submission:

Labcorp Genetics (formerly Invitae), Labcorp
Classification: Pathogenic. Last evaluated: 2024-05-13. Review status: criteria provided, single submitter. Criteria: Invitae Variant Classification Sherloc (09022015). Collection method: clinical testing. Allele origin: germline.
Comment: This sequence change creates a premature translational stop signal (p.Trp1918*) in the OTOGL gene. It is expected to result in an absent or disrupted protein product. Loss-of-function variants in OTOGL are known to be pathogenic (PMID: 23122586). This variant is not present in population databases (gnomAD no frequency). This variant has not been reported in the literature in individuals affected with OTOGL-related conditions. For these reasons, this variant has been classified as Pathogenic.

Literature cited by the submitters: PubMed 23122586.